The following is an entry in ClinVar:

ClinVar aggregate classification (germline): Uncertain significance (1 of 4 stars; one submission).

Allele frequency attached by ClinVar (database versions not stated): gnomAD exomes 0.00001; ExAC 0.00005.

Submission:

Labcorp Genetics (formerly Invitae), Labcorp
Classification: Uncertain significance. Last evaluated: 2022-02-12. Review status: criteria provided, single submitter. Criteria: Invitae Variant Classification Sherloc (09022015). Collection method: clinical testing. Allele origin: germline.
Comment: This sequence change replaces phenylalanine, which is neutral and non-polar, with leucine, which is neutral and non-polar, at codon 689 of the ADAMTSL4 protein (p.Phe689Leu). This variant is present in population databases (rs761042385, gnomAD 0.03%). This variant has not been reported in the literature in individuals affected with ADAMTSL4-related conditions. Algorithms developed to predict the effect of missense changes on protein structure and function are either unavailable or do not agree on the potential impact of this missense change (SIFT: "Deleterious"; PolyPhen-2: "Possibly Damaging"; Align-GVGD: "Class C15"). In summary, the available evidence is currently insufficient to determine the role of this variant in disease. Therefore, it has been classified as a Variant of Uncertain Significance.

NM_019032.6(ADAMTSL4):c.2065T>C (p.Phe689Leu)

Genes: ADAMTSL4 (ADAMTS like 4; plus strand), ADAMTSL4-AS2 (ADAMTSL4 antisense RNA 2; minus strand). Cytogenetic location: 1q21.2.
Variant type: single nucleotide variant.
Coding change: c.2065T>C on transcript NM_019032.6 (MANE Select); coding-DNA position 2065, T replaced by C.
Protein change: p.Phe689Leu; replaces phenylalanine 689 with leucine.
Molecular consequence: missense variant.
Genome position (GRCh38, 1-based): chr1:150,557,511, T>C. VCF-style: chr1-150557511-T-C. GRCh37 (hg19) VCF-style: chr1-150529987-T-C.
Other names: c.1948T>C, p.Phe650Leu (NM_001288607.2); c.2134T>C, p.Phe712Leu (NM_001288608.2); c.2065T>C, p.Phe689Leu (NM_001378596.1, NM_025008.5); short protein forms F689L, F712L, F650L.
Identifiers: ClinVar variation 2097233 (VCV002097233.1), dbSNP rs761042385, ClinGen allele CA1078523.